The following is an entry in ClinVar:

ClinVar aggregate classification (germline): Uncertain significance (1 of 4 stars; one submission).

Submission:

Labcorp Genetics (formerly Invitae), Labcorp
Classification: Uncertain significance. Last evaluated: 2025-09-29. Review status: criteria provided, single submitter. Criteria: Invitae Variant Classification Sherloc (09022015). Collection method: clinical testing. Allele origin: germline.
Comment: This sequence change replaces lysine, which is basic and polar, with glutamine, which is neutral and polar, at codon 1519 of the FLNB protein (p.Lys1519Gln). This variant is not present in population databases (gnomAD no frequency). This variant has not been reported in the literature in individuals affected with FLNB-related conditions. Invitae Evidence Modeling of protein sequence and biophysical properties (such as structural, functional, and spatial information, amino acid conservation, physicochemical variation, residue mobility, and thermodynamic stability) indicates that this missense variant is not expected to disrupt FLNB protein function with a negative predictive value of 95%. In summary, the available evidence is currently insufficient to determine the role of this variant in disease. Therefore, it has been classified as a Variant of Uncertain Significance.

NM_001457.4(FLNB):c.4555A>C (p.Lys1519Gln)

Gene: FLNB (filamin B; plus strand). Cytogenetic location: 3p14.3.
Variant type: single nucleotide variant.
Coding change: c.4555A>C on transcript NM_001457.4 (MANE Select); coding-DNA position 4555, A replaced by C.
Protein change: p.Lys1519Gln; replaces lysine 1519 with glutamine.
Molecular consequence: missense variant.
Genome position (GRCh38, 1-based): chr3:58,134,656, A>C. VCF-style: chr3-58134656-A-C. GRCh37 (hg19) VCF-style: chr3-58120383-A-C.
Other names: c.4648A>C, p.Lys1550Gln (NM_001164317.2); c.4555A>C, p.Lys1519Gln (NM_001164318.2, NM_001164319.2); short protein forms K1550Q, K1519Q.
Identifiers: ClinVar variation 4774624 (VCV004774624.1).